The following is an entry in ClinVar:

NM_024921.4(POF1B):c.1644T>C (p.Thr548=)

Gene: POF1B (POF1B actin binding protein; minus strand). Cytogenetic location: Xq21.1.
Variant type: single nucleotide variant.
Coding change: c.1644T>C on transcript NM_024921.4 (MANE Select); coding-DNA position 1644, T replaced by C.
Protein change: p.Thr548=; no amino-acid change (threonine 548 retained).
Molecular consequence: synonymous variant.
Genome position (GRCh38, 1-based): chrX:85,303,411, A>G on the plus strand (T>C on the coding strand, the complement: POF1B is on the minus strand). VCF-style: chrX-85303411-A-G. GRCh37 (hg19) VCF-style: chrX-84558417-A-G.
Other names: c.1644T>C, p.Thr548= (NM_001307940.2).
Identifiers: ClinVar variation 368782 (VCV000368782.7), dbSNP rs147026080, ClinGen allele CA10464923.

ClinVar aggregate classification (germline): Likely benign. Review status: criteria provided, single submitter (1 of 4 stars). 2 submissions from 2 submitters: Likely benign (1). 1 of the submissions does not count toward it. Last evaluated 2018-01-13.

Conditions:
POF1B-related disorder. Also called: POF1B-related condition.
Premature ovarian failure 2B. Identifiers: MedGen C1845105, MONDO:0010373, OMIM 300604.

Allele frequency attached by ClinVar (database versions not stated): 1000 Genomes Project 0.00026; gnomAD exomes 0.00040 and 0.00103; TOPMed 0.00048; ExAC 0.00056; gnomAD 0.00056 and 0.00057; ESP Exome Variant Server 0.00057.
gnomAD v4.1: 1,099 of 1,135,320 alleles (0.097%); highest among the groups gnomAD compares: Non-Finnish European, 0.12%; 1 homozygote.

Submissions (2):

Illumina Laboratory Services, Illumina
Classification: Likely benign for Premature ovarian failure 2B. Last evaluated: 2018-01-13. Review status: criteria provided, single submitter. Criteria: ICSL Variant Classification Criteria 13 December 2019. Collection method: clinical testing. Allele origin: germline.
Comment: This variant was observed in the ICSL laboratory as part of a predisposition screen in an ostensibly healthy population. It had not been previously curated by ICSL or reported in the Human Gene Mutation Database (HGMD: prior to June 1st, 2018), and was therefore a candidate for classification through an automated scoring system. Utilizing variant allele frequency, disease prevalence and penetrance estimates, and inheritance mode, an automated score was calculated to assess if this variant is too frequent to cause the disease. Based on the score and internal cut-off values, a variant classified as likely benign is not then subjected to further curation. The score for this variant resulted in a classification of likely benign for this disease.

PreventionGenetics, part of Exact Sciences
Classification: Likely benign for POF1B-related condition. Last evaluated: 2019-04-22. Review status: no assertion criteria provided. Collection method: clinical testing. Allele origin: germline. Not counted in ClinVar's aggregate classification.
Comment: This variant is classified as likely benign based on ACMG/AMP sequence variant interpretation guidelines (Richards et al. 2015 PMID: 25741868, with internal and published modifications).